The following is an entry in ClinVar:

NM_001139.3(ALOX12B):c.530G>A (p.Trp177Ter)

Gene: ALOX12B (arachidonate 12-lipoxygenase, 12R type; minus strand). Cytogenetic location: 17p13.1.
Variant type: single nucleotide variant.
Coding change: c.530G>A on transcript NM_001139.3 (MANE Select); coding-DNA position 530, G replaced by A.
Protein change: p.Trp177Ter; replaces tryptophan 177 with a stop codon.
Molecular consequence: nonsense.
Genome position (GRCh38, 1-based): chr17:8,080,778, C>T on the plus strand (G>A on the coding strand, the complement: ALOX12B is on the minus strand). VCF-style: chr17-8080778-C-T. GRCh37 (hg19) VCF-style: chr17-7984096-C-T.
Other names: c.530G>A, p.Trp177Ter (LRG_1264t1); short protein forms W177*.
Identifiers: ClinVar variation 373376 (VCV000373376.3), dbSNP rs959284348, ClinGen allele CA16043057.

ClinVar aggregate classification (germline): Pathogenic. Review status: criteria provided, multiple submitters, no conflicts (2 of 4 stars). 2 submissions from 2 submitters: Pathogenic (2). Last evaluated 2024-03-28.

Conditions:
Autosomal recessive congenital ichthyosis 2 (ARCI2). Identifiers: Orphanet 281122, Orphanet 79394, MedGen C3888093, MONDO:0009439, OMIM 242100.

Submissions (2):

Fulgent Genetics
Classification: Pathogenic for Autosomal recessive congenital ichthyosis 2. Last evaluated: 2024-03-28. Review status: criteria provided, single submitter. Criteria: ACMG Guidelines, 2015. Collection method: clinical testing. Allele origin: germline.

GeneDx
Classification: Pathogenic. Last evaluated: 2017-05-18. Review status: criteria provided, single submitter. Criteria: GeneDx Variant Classification (06012015). Collection method: clinical testing. Allele origin: germline. Affected: yes.
Comment: The W177X pathogenic variant in the ALOX12B gene has not been reported previously as a pathogenic variant nor as a benign variant, to our knowledge. This variant is predicted to cause loss of normal protein function either through protein truncation or nonsense-mediated mRNA decay. It was not observed in approximately 6,500 individuals of European and African American ancestry in the NHLBI Exome Sequencing Project, indicating it is not a common benign variant in these populations. We interpret W177X as a pathogenic variant.